The following is an entry in ClinVar:

NM_001148.6(ANK2):c.385-76A>G

Gene: ANK2 (ankyrin 2; plus strand). Cytogenetic location: 4q26.
Variant type: single nucleotide variant.
Coding change: c.385-76A>G on transcript NM_001148.6 (MANE Select); 76 bases into the intron before coding-DNA position 385, A replaced by G.
Molecular consequence: intron variant.
Genome position (GRCh38, 1-based): chr4:113,232,085, A>G. VCF-style: chr4-113232085-A-G. GRCh37 (hg19) VCF-style: chr4-114153241-A-G.
Other names: c.373-76A>G (NM_001386186.2, NM_001386148.2, NM_001354269.3 and 1 more transcripts); c.367-76A>G (NM_001386147.1, NM_001386160.1, NM_001354261.2); c.322-76A>G (NM_001354254.2, NM_001354239.2, NM_001354252.2 and 33 more transcripts); c.430-76A>G (NM_001354241.2, NM_001386152.1, NM_001354237.2 and 5 more transcripts); c.385-76A>G (NM_001354225.2, NM_001354235.2, NM_001354246.2 and 9 more transcripts); c.436-76A>G (NM_001386174.1, NM_001386175.1).
Identifiers: ClinVar variation 669945 (VCV000669945.2), dbSNP rs362464, ClinGen allele CA11732208.

ClinVar aggregate classification (germline): Likely benign. Review status: criteria provided, multiple submitters, no conflicts (2 of 4 stars). 2 submissions from 2 submitters: Likely benign (2). Last evaluated 2018-06-14.

Allele frequency attached by ClinVar (database versions not stated): 1000 Genomes Project 30x 0.00937; 1000 Genomes Project 0.01018; TOPMed 0.01844; gnomAD 0.02031 and 0.02068; gnomAD exomes 0.02806.
gnomAD v4.1: 26,629 of 994,930 alleles (2.7%); highest among the groups gnomAD compares: South Asian, 3.3%; 447 homozygotes.

Submissions (2):

GeneDx
Classification: Likely benign. Last evaluated: 2018-06-14. Review status: criteria provided, single submitter. Criteria: GeneDx Variant Classification (06012015). Collection method: clinical testing. Allele origin: germline. Affected: yes.
Comment: This variant is considered likely benign or benign based on one or more of the following criteria: it is a conservative change, it occurs at a poorly conserved position in the protein, it is predicted to be benign by multiple in silico algorithms, and/or has population frequency not consistent with disease.

Breakthrough Genomics
Classification: Likely benign. Review status: criteria provided, single submitter. Criteria: ACMG Guidelines, 2015. Collection method: not provided. Allele origin: germline. Inheritance: Autosomal dominant inheritance. Affected: yes.